The following is an entry in ClinVar:

ClinVar aggregate classification (germline): Uncertain significance (1 of 4 stars; one submission).

Conditions:
DYRK1A-related intellectual disability syndrome (MRD7). Also called: Intellectual developmental disorder, autosomal dominant 7; DYRK1A Syndrome. Identifiers: Orphanet 464306, MedGen C5568143, MONDO:0013578, OMIM 614104.

Submission:

Labcorp Genetics (formerly Invitae), Labcorp
Classification: Uncertain significance for DYRK1A-related intellectual disability syndrome. Last evaluated: 2024-01-16. Review status: criteria provided, single submitter. Criteria: Invitae Variant Classification Sherloc (09022015). Collection method: clinical testing. Allele origin: germline.
Comment: This sequence change replaces isoleucine, which is neutral and non-polar, with threonine, which is neutral and polar, at codon 293 of the DYRK1A protein (p.Ile293Thr). This variant is not present in population databases (gnomAD no frequency). This variant has not been reported in the literature in individuals affected with DYRK1A-related conditions. Advanced modeling of protein sequence and biophysical properties (such as structural, functional, and spatial information, amino acid conservation, physicochemical variation, residue mobility, and thermodynamic stability) performed at Invitae indicates that this missense variant is expected to disrupt DYRK1A protein function with a positive predictive value of 80%. In summary, the available evidence is currently insufficient to determine the role of this variant in disease. Therefore, it has been classified as a Variant of Uncertain Significance.

NM_001347721.2(DYRK1A):c.851T>C (p.Ile284Thr)

Gene: DYRK1A (dual specificity tyrosine phosphorylation regulated kinase 1A; plus strand). Cytogenetic location: 21q22.13.
Variant type: single nucleotide variant.
Coding change: c.851T>C on transcript NM_001347721.2 (MANE Select); coding-DNA position 851, T replaced by C.
Protein change: p.Ile284Thr; replaces isoleucine 284 with threonine.
Molecular consequence: missense variant.
Genome position (GRCh38, 1-based): chr21:37,490,388, T>C. VCF-style: chr21-37490388-T-C. GRCh37 (hg19) VCF-style: chr21-38862690-T-C.
Other names: c.851T>C, p.Ile284Thr (NM_130436.2, NM_001347722.2); c.878T>C, p.Ile293Thr (NM_130438.2, NM_001396.5, NM_101395.2); c.764T>C, p.Ile255Thr (NM_001347723.2); short protein forms I255T, I284T, I293T.
Identifiers: ClinVar variation 2709528 (VCV002709528.3), dbSNP rs2518028498, ClinGen allele CA409947763.
Genomic context (GRCh38, chr21:37,490,388, plus strand): 5'-TGCTTTTCCTTGCGACTCCAGAACTTAGTATCATTCACTGTGATCTAAAACCTGAAAATA[T>C]CCTTCTTTGTAACCCCAAACGCAGTGCAATCAAGATAGTTGACTTTGGCAGTTCTTGTCA-3'
Protein context (NP_001334650.1, residues 274-294): IIHCDLKPEN[Ile284Thr]LLCNPKRSAI